The following is an entry in ClinVar:

ClinVar aggregate classification (germline): Uncertain significance (1 of 4 stars; one submission).

Conditions:
Charcot-Marie-Tooth disease type 2. Also called: Charcot-Marie-Tooth type 2. Identifiers: Orphanet 64746, MedGen C0270914, MONDO:0018993.

gnomAD v4.1: 4 of 1,613,652 alleles (0.00025%); highest among the groups gnomAD compares: Non-Finnish European, 0.00034%; no homozygotes.

Submission:

Labcorp Genetics (formerly Invitae), Labcorp
Classification: Uncertain significance for Charcot-Marie-Tooth disease type 2. Last evaluated: 2025-06-22. Review status: criteria provided, single submitter. Criteria: Invitae Variant Classification Sherloc (09022015). Collection method: clinical testing. Allele origin: germline.
Comment: This sequence change replaces alanine, which is neutral and non-polar, with valine, which is neutral and non-polar, at codon 565 of the MFN2 protein (p.Ala565Val). This variant is present in population databases (no rsID available, gnomAD 0.007%). This variant has not been reported in the literature in individuals affected with MFN2-related conditions. Invitae Evidence Modeling of protein sequence and biophysical properties (such as structural, functional, and spatial information, amino acid conservation, physicochemical variation, residue mobility, and thermodynamic stability) has been performed for this missense variant. However, the output from this modeling did not meet the statistical confidence thresholds required to predict the impact of this variant on MFN2 protein function. In summary, the available evidence is currently insufficient to determine the role of this variant in disease. Therefore, it has been classified as a Variant of Uncertain Significance.

NM_014874.4(MFN2):c.1694C>T (p.Ala565Val)

Genes: MFN2 (mitofusin 2; plus strand), LOC129929426 (ATAC-STARR-seq lymphoblastoid active region 185; plus strand). Cytogenetic location: 1p36.22.
Variant type: single nucleotide variant.
Coding change: c.1694C>T on transcript NM_014874.4 (MANE Select); coding-DNA position 1694, C replaced by T.
Protein change: p.Ala565Val; replaces alanine 565 with valine.
Molecular consequence: missense variant.
Genome position (GRCh38, 1-based): chr1:12,005,909, C>T. VCF-style: chr1-12005909-C-T. GRCh37 (hg19) VCF-style: chr1-12065966-C-T.
Other names: c.1694C>T, p.Ala565Val (NM_001127660.2); short protein forms A565V.
Identifiers: ClinVar variation 4691271 (VCV004691271.1).